The following is an entry in ClinVar:

ClinVar aggregate classification (germline): Conflicting classifications of pathogenicity. Review status: criteria provided, conflicting classifications (1 of 4 stars). 2 submissions from 2 submitters: Uncertain significance (1); Likely benign (1). Last evaluated 2025-06-05.

Conditions:
Hereditary cancer-predisposing syndrome. Also called: Hereditary Cancer Syndrome; Hereditary neoplastic syndrome; Tumor predisposition; Neoplastic Syndromes, Hereditary. Identifiers: Orphanet 140162, MedGen C0027672, MeSH D009386, MONDO:0015356.
Peutz-Jeghers syndrome (PJS). Also called: POLYPOSIS, HAMARTOMATOUS INTESTINAL; POLYPS-AND-SPOTS SYNDROME; Peutz-Jeghers polyposis; Periorificial lentiginosis syndrome. Identifiers: Orphanet 2869, MedGen C0031269, MeSH D010580, MONDO:0008280, OMIM 175200.

Submissions (2):

Ambry Genetics
Classification: Likely benign for Hereditary cancer-predisposing syndrome. Last evaluated: 2025-06-05. Review status: criteria provided, single submitter. Criteria: Ambry Variant Classification Scheme 2023. Collection method: clinical testing. Allele origin: germline.

Labcorp Genetics (formerly Invitae), Labcorp
Classification: Uncertain significance for Peutz-Jeghers syndrome. Last evaluated: 2021-10-19. Review status: criteria provided, single submitter. Criteria: Invitae Variant Classification Sherloc (09022015). Collection method: clinical testing. Allele origin: germline.
Comment: In summary, the available evidence is currently insufficient to determine the role of this variant in disease. Therefore, it has been classified as a Variant of Uncertain Significance. Advanced modeling of protein sequence and biophysical properties (such as structural, functional, and spatial information, amino acid conservation, physicochemical variation, residue mobility, and thermodynamic stability) performed at Invitae indicates that this missense variant is not expected to disrupt STK11 protein function. This variant has not been reported in the literature in individuals affected with STK11-related conditions. This variant is not present in population databases (ExAC no frequency). This sequence change replaces alanine with threonine at codon 316 of the STK11 protein (p.Ala316Thr). The alanine residue is moderately conserved and there is a small physicochemical difference between alanine and threonine.

NM_000455.5(STK11):c.946G>A (p.Ala316Thr)

Gene: STK11 (serine/threonine kinase 11; plus strand). Cytogenetic location: 19p13.3.
Variant type: single nucleotide variant.
Coding change: c.946G>A on transcript NM_000455.5 (MANE Select); coding-DNA position 946, G replaced by A.
Protein change: p.Ala316Thr; replaces alanine 316 with threonine.
Molecular consequence: missense variant.
Genome position (GRCh38, 1-based): chr19:1,223,010, G>A. VCF-style: chr19-1223010-G-A. GRCh37 (hg19) VCF-style: chr19-1223009-G-A.
Other names: short protein forms A316T.
Identifiers: ClinVar variation 1359181 (VCV001359181.9), dbSNP rs864622303, ClinGen allele CA402951500.